The following is an entry in ClinVar:

ClinVar aggregate classification (germline): Likely benign. Review status: criteria provided, multiple submitters, no conflicts (2 of 4 stars). 2 submissions from 2 submitters: Likely benign (2). Last evaluated 2018-06-19.

Allele frequency attached by ClinVar (database versions not stated): gnomAD exomes 0.00084 and 0.00251; ExAC 0.00368; gnomAD 0.00881 and 0.00935; ESP Exome Variant Server 0.00977; TOPMed 0.01050; 1000 Genomes Project 0.01178; 1000 Genomes Project 30x 0.01312.
gnomAD v4.1: 2,602 of 1,598,238 alleles (0.16%); highest among the groups gnomAD compares: African/African-American, 3%; 39 homozygotes.

Submissions (2):

GeneDx
Classification: Likely benign. Last evaluated: 2018-06-19. Review status: criteria provided, single submitter. Criteria: GeneDx Variant Classification (06012015). Collection method: clinical testing. Allele origin: germline. Affected: yes.
Comment: This variant is considered likely benign or benign based on one or more of the following criteria: it is a conservative change, it occurs at a poorly conserved position in the protein, it is predicted to be benign by multiple in silico algorithms, and/or has population frequency not consistent with disease.

Breakthrough Genomics
Classification: Likely benign. Review status: criteria provided, single submitter. Criteria: ACMG Guidelines, 2015. Collection method: not provided. Allele origin: germline. Inheritance: Autosomal recessive inheritance. Affected: yes.

NM_007327.4(GRIN1):c.394-32A>G

Gene: GRIN1 (glutamate ionotropic receptor NMDA type subunit 1; plus strand). Cytogenetic location: 9q34.3.
Variant type: single nucleotide variant.
Coding change: c.394-32A>G on transcript NM_007327.4 (MANE Select); 32 bases into the intron before coding-DNA position 394, A replaced by G.
Molecular consequence: intron variant.
Genome position (GRCh38, 1-based): chr9:137,145,694, A>G. VCF-style: chr9-137145694-A-G. GRCh37 (hg19) VCF-style: chr9-140040146-A-G.
Other names: c.394-32A>G (NM_001185090.2, NM_001185091.2, NM_021569.4 and 1 more transcripts).
Identifiers: ClinVar variation 677617 (VCV000677617.2), dbSNP rs200424067, ClinGen allele CA5360641.